The following is an entry in ClinVar:

NM_001378778.1(MPDZ):c.145C>T (p.Leu49=)

Gene: MPDZ (multiple PDZ domain crumbs cell polarity complex component; minus strand). Cytogenetic location: 9p23.
Variant type: single nucleotide variant.
Coding change: c.145C>T on transcript NM_001378778.1 (MANE Select); coding-DNA position 145, C replaced by T.
Protein change: p.Leu49=; no amino-acid change (leucine 49 retained).
Molecular consequence: synonymous variant.
Genome position (GRCh38, 1-based): chr9:13,247,673, G>A on the plus strand (C>T on the coding strand, the complement: MPDZ is on the minus strand). VCF-style: chr9-13247673-G-A. GRCh37 (hg19) VCF-style: chr9-13247672-G-A.
Other names: c.145C>T, p.Leu49= (NM_001261406.2, NM_001261407.2, NM_001330637.2 and 14 more transcripts).
Identifiers: ClinVar variation 782856 (VCV000782856.13), dbSNP rs144481155, ClinGen allele CA4988229.

ClinVar aggregate classification (germline): Benign. Review status: criteria provided, single submitter (1 of 4 stars). 2 submissions from 2 submitters: Benign (1). 1 of the submissions does not count toward it. Last evaluated 2026-01-01.

Conditions:
MPDZ-related disorder. Also called: MPDZ-related condition.

Allele frequency attached by ClinVar (database versions not stated): TOPMed 0.00222; 1000 Genomes Project 0.00619; 1000 Genomes Project 30x 0.00625.
gnomAD v4.1: 1,759 of 1,613,534 alleles (0.11%); highest among the groups gnomAD compares: East Asian, 3.3%; 24 homozygotes.

Submissions (2):

Labcorp Genetics (formerly Invitae), Labcorp
Classification: Benign. Last evaluated: 2026-01-01. Review status: criteria provided, single submitter. Criteria: Invitae Variant Classification Sherloc (09022015). Collection method: clinical testing. Allele origin: germline.

PreventionGenetics, part of Exact Sciences
Classification: Benign for MPDZ-related condition. Last evaluated: 2019-04-15. Review status: no assertion criteria provided. Collection method: clinical testing. Allele origin: germline. Not counted in ClinVar's aggregate classification.
Comment: This variant is classified as benign based on ACMG/AMP sequence variant interpretation guidelines (Richards et al. 2015 PMID: 25741868, with internal and published modifications).